The following is an entry in ClinVar:

ClinVar aggregate classification (germline): Uncertain significance. Review status: criteria provided, multiple submitters, no conflicts (2 of 4 stars). 3 submissions from 3 submitters: Uncertain significance (3). Last evaluated 2026-01-22.

Conditions:
Microcephalic osteodysplastic primordial dwarfism type II (MOPD2). Also called: MOPD II; OSTEODYSPLASTIC PRIMORDIAL DWARFISM, TYPE II; Microcephalic osteodysplastic primordial dwarfism with tooth abnormalities. Identifiers: Orphanet 2637, MedGen C0432246, MONDO:0008872, OMIM 210720.

Submissions (3):

Labcorp Genetics (formerly Invitae), Labcorp
Classification: Uncertain significance. Last evaluated: 2026-01-22. Review status: criteria provided, single submitter. Criteria: Invitae Variant Classification Sherloc (09022015). Collection method: clinical testing. Allele origin: germline.
Comment: This sequence change replaces arginine, which is basic and polar, with phenylalanine, which is neutral and non-polar, at codon 1903 of the PCNT protein (p.Arg1903Phe). This variant is present in population databases (no rsID available, gnomAD 0.1%), including at least one homozygous and/or hemizygous individual. This variant has not been reported in the literature in individuals affected with PCNT-related conditions. ClinVar contains an entry for this variant (Variation ID: 1336729). An algorithm developed to predict the effect of missense changes on protein structure and function (PolyPhen-2) suggests that this variant is likely to be tolerated. In summary, the available evidence is currently insufficient to determine the role of this variant in disease. Therefore, it has been classified as a Variant of Uncertain Significance.

ARUP Laboratories, Molecular Genetics and Genomics, ARUP Laboratories
Classification: Uncertain significance for Microcephalic osteodysplastic primordial dwarfism type II. Last evaluated: 2025-03-14. Review status: criteria provided, single submitter. Criteria: ARUP Molecular Germline Variant Investigation Process 2024. Collection method: clinical testing. Allele origin: germline.
Comment: The PCNT c.5707_5708delinsTT; p.Arg1903Phe variant, to our knowledge, is not reported in the medical literature but is reported in ClinVar (Variation ID: 1336729). This variant is found in the general population with an overall allele frequency of 0.106% (270/255,268 alleles, including 1 homozygote) in the Genome Aggregation Database (v2.1.1). Due to limited information, the clinical significance of this variant is uncertain at this time.

Genetic Services Laboratory, University of Chicago
Classification: Uncertain significance. Last evaluated: 2018-06-05. Review status: criteria provided, single submitter. Criteria: ACMG Guidelines, 2015. Collection method: clinical testing. Allele origin: germline. Affected: no.

NM_006031.6(PCNT):c.5707_5708delinsTT (p.Arg1903Phe)

Gene: PCNT (pericentrin; plus strand). Cytogenetic location: 21q22.3.
Variant type: Indel.
Coding change: c.5707_5708delinsTT on transcript NM_006031.6 (MANE Select); coding-DNA positions 5707 to 5708, CG replaced by TT.
Protein change: p.Arg1903Phe; replaces arginine 1903 with phenylalanine.
Molecular consequence: missense variant.
Genome position (GRCh38, 1-based): chr21:46,411,780-46,411,781, CG replaced by TT. VCF-style: chr21-46411780-CG-TT. GRCh37 (hg19) VCF-style: chr21-47831694-CG-TT.
Other names: c.5353_5354delinsTT, p.Arg1785Phe (NM_001315529.2); short protein forms R1785F, R1903F.
Identifiers: ClinVar variation 1336729 (VCV001336729.9), dbSNP rs2147674617, ClinGen allele CA2573054965.